The following is an entry in ClinVar:

NM_005732.4(RAD50):c.2421A>T (p.Arg807Ser)

Gene: RAD50 (RAD50 double strand break repair protein; plus strand). Cytogenetic location: 5q31.1.
Variant type: single nucleotide variant.
Coding change: c.2421A>T on transcript NM_005732.4 (MANE Select); coding-DNA position 2421, A replaced by T.
Protein change: p.Arg807Ser; replaces arginine 807 with serine.
Molecular consequence: missense variant.
Genome position (GRCh38, 1-based): chr5:132,603,943, A>T. VCF-style: chr5-132603943-A-T. GRCh37 (hg19) VCF-style: chr5-131939635-A-T.
Other names: short protein forms R807S.
Identifiers: ClinVar variation 664029 (VCV000664029.9), dbSNP rs1581001437, ClinGen allele CA360955398.

ClinVar aggregate classification (germline): Uncertain significance (1 of 4 stars; one submission).

Conditions:
Hereditary cancer-predisposing syndrome. Also called: Tumor predisposition; Hereditary neoplastic syndrome; Neoplastic Syndromes, Hereditary; Hereditary Cancer Syndrome. Identifiers: Orphanet 140162, MedGen C0027672, MeSH D009386, MONDO:0015356.

Submission:

Labcorp Genetics (formerly Invitae), Labcorp
Classification: Uncertain significance for Hereditary cancer-predisposing syndrome. Last evaluated: 2022-07-12. Review status: criteria provided, single submitter. Criteria: Invitae Variant Classification Sherloc (09022015). Collection method: clinical testing. Allele origin: germline.
Comment: In summary, the available evidence is currently insufficient to determine the role of this variant in disease. Therefore, it has been classified as a Variant of Uncertain Significance. Algorithms developed to predict the effect of sequence changes on RNA splicing suggest that this variant may create or strengthen a splice site. Algorithms developed to predict the effect of missense changes on protein structure and function are either unavailable or do not agree on the potential impact of this missense change (SIFT: "Deleterious"; PolyPhen-2: "Possibly Damaging"; Align-GVGD: "Class C0"). ClinVar contains an entry for this variant (Variation ID: 664029). This variant has not been reported in the literature in individuals affected with RAD50-related conditions. This variant is not present in population databases (gnomAD no frequency). This sequence change replaces arginine, which is basic and polar, with serine, which is neutral and polar, at codon 807 of the RAD50 protein (p.Arg807Ser).